The following is an entry in ClinVar:

NM_002755.4(MAP2K1):c.135G>T (p.Gln45His)

Gene: MAP2K1 (mitogen-activated protein kinase kinase 1; plus strand). Cytogenetic location: 15q22.31.
Variant type: single nucleotide variant.
Coding change: c.135G>T on transcript NM_002755.4 (MANE Select); coding-DNA position 135, G replaced by T.
Protein change: p.Gln45His; replaces glutamine 45 with histidine.
Molecular consequence: missense variant.
Genome position (GRCh38, 1-based): chr15:66,435,081, G>T. VCF-style: chr15-66435081-G-T. GRCh37 (hg19) VCF-style: chr15-66727419-G-T.
Other names: short protein forms Q45H.
Identifiers: ClinVar variation 1693032 (VCV001693032.2), dbSNP rs2093484116, ClinGen allele CA392929095.
Genomic context (GRCh38, chr15:66,435,081, plus strand): 5'-GAACAGGACCAACTTGGAGGCCTTGCAGAAGAAGCTGGAGGAGCTAGAGCTTGATGAGCA[G>T]CAGCGAAAGCGCCTTGAGGCCTTTCTTACCCAGAAGCAGAAGGTGGGAGAACTGAAGGAT-3'
Protein context (NP_002746.1, residues 35-55): KKLEELELDE[Gln45His]QRKRLEAFLT

ClinVar aggregate classification (germline): Uncertain significance (1 of 4 stars; one submission).

Allele frequency attached by ClinVar (database versions not stated): TOPMed 0.00001.
gnomAD v4.1: 3 of 1,614,148 alleles (0.00019%); highest among the groups gnomAD compares: Non-Finnish European, 0.00025%; no homozygotes.

Submission:

GeneDx
Classification: Uncertain significance. Last evaluated: 2022-06-07. Review status: criteria provided, single submitter. Criteria: GeneDx Variant Classification Process June 2021. Collection method: clinical testing. Allele origin: germline. Affected: yes.
Comment: Missense variants in this gene are often considered pathogenic (HGMD); In silico analysis supports that this missense variant has a deleterious effect on protein structure/function; Has not been previously published as pathogenic or benign to our knowledge; This variant is associated with the following publications: (PMID: 19156172, 22177953, 22753777, 25370473, 26399658, 29493581)